The following is an entry in ClinVar:

ClinVar aggregate classification (germline): Uncertain significance. Review status: criteria provided, multiple submitters, no conflicts (2 of 4 stars). 2 submissions from 2 submitters: Uncertain significance (2). Last evaluated 2025-10-27.

Conditions:
Cardiovascular phenotype. Identifiers: MedGen CN230736.
Hereditary cancer-predisposing syndrome. Also called: Neoplastic Syndromes, Hereditary; Tumor predisposition; Hereditary Cancer Syndrome; Hereditary neoplastic syndrome. Identifiers: Orphanet 140162, MedGen C0027672, MeSH D009386, MONDO:0015356.
Neurofibromatosis, type 1 (NF1). Also called: VON RECKLINGHAUSEN DISEASE; NEUROFIBROMATOSIS, TYPE I, SOMATIC; Neurofibromatosis, type I; Peripheral type neurofibromatosis. Identifiers: Orphanet 636, MedGen C0027831, MONDO:0018975, OMIM 162200. Disease mechanism: loss of function.

Submissions (2):

Ambry Genetics
Classification: Uncertain significance for Cardiovascular phenotype; Hereditary cancer-predisposing syndrome. Last evaluated: 2025-10-27. Review status: criteria provided, single submitter. Criteria: Ambry Variant Classification Scheme 2023. Collection method: clinical testing. Allele origin: germline.
Comment: The p.I1770V variant (also known as c.5308A>G), located in coding exon 37 of the NF1 gene, results from an A to G substitution at nucleotide position 5308. The isoleucine at codon 1770 is replaced by valine, an amino acid with highly similar properties. This amino acid position is highly conserved in available vertebrate species. In addition, this alteration is predicted to be tolerated by in silico analysis. Based on the available evidence, the clinical significance of this variant remains unclear.

Labcorp Genetics (formerly Invitae), Labcorp
Classification: Uncertain significance for Neurofibromatosis, type 1. Last evaluated: 2025-04-27. Review status: criteria provided, single submitter. Criteria: Invitae Variant Classification Sherloc (09022015). Collection method: clinical testing. Allele origin: germline.
Comment: This sequence change replaces isoleucine, which is neutral and non-polar, with valine, which is neutral and non-polar, at codon 1770 of the NF1 protein (p.Ile1770Val). This variant is not present in population databases (gnomAD no frequency). This variant has not been reported in the literature in individuals affected with NF1-related conditions. ClinVar contains an entry for this variant (Variation ID: 1746735). Invitae Evidence Modeling of protein sequence and biophysical properties (such as structural, functional, and spatial information, amino acid conservation, physicochemical variation, residue mobility, and thermodynamic stability) indicates that this missense variant is not expected to disrupt NF1 protein function with a negative predictive value of 95%. In summary, the available evidence is currently insufficient to determine the role of this variant in disease. Therefore, it has been classified as a Variant of Uncertain Significance.

NM_001042492.3(NF1):c.5371A>G (p.Ile1791Val)

Gene: NF1 (neurofibromin 1; plus strand). Cytogenetic location: 17q11.2.
Variant type: single nucleotide variant.
Coding change: c.5371A>G on transcript NM_001042492.3 (MANE Select); coding-DNA position 5371, A replaced by G.
Protein change: p.Ile1791Val; replaces isoleucine 1791 with valine.
Molecular consequence: missense variant.
Genome position (GRCh38, 1-based): chr17:31,327,601, A>G. VCF-style: chr17-31327601-A-G. GRCh37 (hg19) VCF-style: chr17-29654619-A-G.
Other names: c.5308A>G, p.Ile1770Val (NM_000267.4); short protein forms I1791V, I1770V.
Identifiers: ClinVar variation 1746735 (VCV001746735.6), dbSNP rs2151541120, ClinGen allele CA399009290.